The following is an entry in ClinVar:

NM_000458.4(HNF1B):c.964C>T (p.Gln322Ter)

Gene: HNF1B (HNF1 homeobox B; minus strand). Cytogenetic location: 17q12.
Variant type: single nucleotide variant.
Coding change: c.964C>T on transcript NM_000458.4 (MANE Select); coding-DNA position 964, C replaced by T.
Protein change: p.Gln322Ter; replaces glutamine 322 with a stop codon.
Molecular consequence: nonsense.
Genome position (GRCh38, 1-based): chr17:37,731,676, G>A on the plus strand (C>T on the coding strand, the complement: HNF1B is on the minus strand). VCF-style: chr17-37731676-G-A. GRCh37 (hg19) VCF-style: chr17-36091667-G-A.
Other names: c.886C>T, p.Gln296Ter (NM_001165923.4, NM_001304286.2); c.964C>T, p.Gln322Ter (NM_001411100.1); short protein forms Q322*, Q296*.
Identifiers: ClinVar variation 4713713 (VCV004713713.1).

ClinVar aggregate classification (germline): Pathogenic (1 of 4 stars; one submission).

Submission:

Labcorp Genetics (formerly Invitae), Labcorp
Classification: Pathogenic. Last evaluated: 2025-02-23. Review status: criteria provided, single submitter. Criteria: Invitae Variant Classification Sherloc (09022015). Collection method: clinical testing. Allele origin: germline.
Comment: This sequence change creates a premature translational stop signal (p.Gln322*) in the HNF1B gene. It is expected to result in an absent or disrupted protein product. Loss-of-function variants in HNF1B are known to be pathogenic (PMID: 9398836, 12148114, 15068978, 20378641). This variant is not present in population databases (gnomAD no frequency). This variant has not been reported in the literature in individuals affected with HNF1B-related conditions. For these reasons, this variant has been classified as Pathogenic.

Literature cited by the submitters: PubMed 9398836; PubMed 12148114; PubMed 15068978; PubMed 20378641.